The following is an entry in ClinVar:

ClinVar aggregate classification (germline): Pathogenic/Likely pathogenic. Review status: criteria provided, multiple submitters, no conflicts (2 of 4 stars). 10 submissions from 9 submitters: Pathogenic (4); Likely pathogenic (3). 3 of the submissions do not count toward it. Last evaluated 2026-03-09.

Conditions:
Chondrodysplasia. Identifiers: MedGen C0343284, MONDO:0022723.
Anadysplasia-like, spontaneously remitting spondylometaphyseal dysplasia.
LBR-related disorder. Also called: LBR-related condition; LBR-related disorders.
RHIZOMELIC SKELETAL DYSPLASIA WITH PELGER-HUET ANOMALY.
Regressive spondylometaphyseal dysplasia. Also called: PELGER-HUET ANOMALY WITH MILD SKELETAL ANOMALIES. Identifiers: Orphanet 448267, MedGen C4747922, MONDO:0018663, OMIM 618019.
Greenberg dysplasia (GRBGD). Also called: HEM SKELETAL DYSPLASIA; MOTH-EATEN SKELETAL DYSPLASIA; CHONDRODYSTROPHY, HYDROPIC AND PRENATALLY LETHAL TYPE. Identifiers: Orphanet 1426, MedGen C2931048, MONDO:0008974, OMIM 215140.
Reynolds syndrome. Also called: PRIMARY BILIARY CIRRHOSIS, SCLERODERMA, RAYNAUD DISEASE, AND TELANGIECTASIA. Identifiers: Orphanet 779, MedGen C0748397, MONDO:0013276, OMIM 613471.

Allele frequency attached by ClinVar (database versions not stated): gnomAD 0.00004; TOPMed 0.00005.
gnomAD v4.1: 61 of 1,614,032 alleles (0.0038%); highest among the groups gnomAD compares: Middle Eastern, 0.049%; no homozygotes.

Submissions (11):

GeneDx
Classification: Likely pathogenic. Last evaluated: 2026-03-09. Review status: criteria provided, single submitter. Criteria: GeneDx Variant Classification Process June 2021. Collection method: clinical testing. Allele origin: germline.
Comment: In silico analysis supports that this missense variant has a deleterious effect on protein structure/function; This variant is associated with the following publications: (PMID: 33726816, 41059452, Yalcintepe2023[article], 25348816)

Variantyx, Inc.
Classification: Likely pathogenic for Regressive spondylometaphyseal dysplasia. Last evaluated: 2025-12-04. Review status: criteria provided, single submitter. Criteria: Variantyx Assertion Criteria 2022. Collection method: clinical testing. Allele origin: germline. Inheritance: Autosomal recessive inheritance. Affected: yes.
Comment: This is a nonsynonymous variant in the LBR gene (OMIM: 600024). Pathogenic variants in this gene have been associated with autosomal recessive rhizomelic skeletal dysplasia with or without Pelger-Huet anomaly. An alternate amino acid change at this position (p.N547D) has been previously reported in similarly affected individuals, which suggests that this residue is biologically important (PMID: 18382993) (PM5). Multiple computational algorithms predict a deleterious effect for this variant (REVEL score: 0.981) (PP3). This variant has a 0.0067% maximum allele frequency in non-founder control populations (PM2). Based on the current evidence, this variant is classified as likely pathogenic for autosomal recessive rhizomelic skeletal dysplasia with or without Pelger-Huet anomaly.

Dasa
Classification: Likely pathogenic. Last evaluated: 2025-10-24. Review status: criteria provided, single submitter. Criteria: DASA Assertion Criteria. Collection method: clinical testing. Allele origin: germline.
Comment: NM_002296.4(LBR):c.1640A>G (p.Asn547Ser) is a missense variant that results in the substitution of asparagine with serine. The affected residue or protein region has prior evidence supporting clinical relevance. This variant has been reported in individuals with LBR-related disorders (PMID: 25348816). Also, this variant is rare in population databases. Computational evidence supports a deleterious effect. Based on the currently available evidence, this variant is classified as likely pathogenic.

Labcorp Genetics (formerly Invitae), Labcorp
Classification: Pathogenic. Last evaluated: 2025-09-11. Review status: criteria provided, single submitter. Criteria: Invitae Variant Classification Sherloc (09022015). Collection method: clinical testing. Allele origin: germline.
Comment: This sequence change replaces asparagine, which is neutral and polar, with serine, which is neutral and polar, at codon 547 of the LBR protein (p.Asn547Ser). This variant is present in population databases (rs374343844, gnomAD 0.008%). This missense change has been observed in individual(s) with clinical features of LBR-related skeletal condition (PMID: 25348816; internal data). In at least one individual the data is consistent with being in trans (on the opposite chromosome) from a pathogenic variant. ClinVar contains an entry for this variant (Variation ID: 224875). Invitae Evidence Modeling of protein sequence and biophysical properties (such as structural, functional, and spatial information, amino acid conservation, physicochemical variation, residue mobility, and thermodynamic stability) indicates that this missense variant is expected to disrupt LBR protein function with a positive predictive value of 80%. This variant disrupts the p.Asn547 amino acid residue in LBR. Other variant(s) that disrupt this residue have been observed in individuals with LBR-related conditions (PMID: 18382993), which suggests that this may be a clinically significant amino acid residue. For these reasons, this variant has been classified as Pathogenic.

AURAGEN, Plan France Médecine Génomique
Classification: Pathogenic for Chondrodysplasia. Last evaluated: 2021-10-25. Review status: criteria provided, single submitter. Criteria: PFMG2025 (Lancet Reg Health Eur. 2025). Collection method: clinical testing. Allele origin: germline. Affected: yes.

Baylor-Hopkins Center for Mendelian Genomics, Johns Hopkins University School of Medicine
Classification: Pathogenic for Anadysplasia-like, spontaneously remitting spondylometaphyseal dysplasia. Review status: criteria provided, single submitter. Criteria: Submitter's publication. Collection method: research. Allele origin: germline. Affected: yes. Observed: 1 compound heterozygote.

Baylor-Hopkins Center for Mendelian Genomics, Johns Hopkins University School of Medicine
Classification: Pathogenic for Greenberg dysplasia. Review status: criteria provided, single submitter. Criteria: ACMG Guidelines, 2015. Collection method: research. Allele origin: somatic. Inheritance: Autosomal recessive inheritance. Affected: yes. Observed: 2 variant alleles, 1 compound heterozygote.
Comment: Compound Heterozygote

PreventionGenetics, part of Exact Sciences
Classification: Likely pathogenic for LBR-related condition. Last evaluated: 2023-11-04. Review status: no assertion criteria provided. Collection method: clinical testing. Allele origin: germline. Not counted in ClinVar's aggregate classification.
Comment: The LBR c.1640A>G variant is predicted to result in the amino acid substitution p.Asn547Ser. This variant has been reported in the compound heterozygous state with a nonsense variant (p.Arg76*) in an individual with rhizomelic skeletal dysplasia with Pelger-Huet anomaly (Sobreira et al. 2015. PubMed ID: 25348816). An alternate nucleotide change affecting the same amino acid (p.Asn547Asp) was reported in the homozygous state in a fetus with features consistent with Greenberg skeletal dysplasia (Konstantinidou et al. 2008. PubMed ID: 18382993). The p.Asn547 amino acid is located within a transmembrane region in the sterol reductase domain of the Lamin B Receptor, and maps to the NADPH binding pocket (Turner. 2016. PubMed ID: 27830109). The p.Asn547Asp substitution was reported to reduce NADPH binding capacity by nearly 12-fold and lead to a near complete loss of de novo cholesterol synthesis, emphasizing the importance of the p.Asn547 amino acid (Turner. 2016. PubMed ID: 27830109). This variant is reported in 0.0080% of alleles in individuals of African descent in gnomAD. Taken together, the p.Asn547Ser variant is interpreted as likely pathogenic.

OMIM
Classification: Pathogenic for RHIZOMELIC SKELETAL DYSPLASIA WITH PELGER-HUET ANOMALY. Last evaluated: 2022-03-17. Review status: no assertion criteria provided. Collection method: literature only. Allele origin: germline. Not counted in ClinVar's aggregate classification.

Dr. Peter K. Rogan Lab, Western University
No classification provided (evidence only). Condition: Acute myeloid leukemia. Review status: no classification provided. Collection method: in vitro. Allele origin: not applicable. Functional consequence: retained intron. Not counted in ClinVar's aggregate classification.

Baylor Genetics
Classification: Uncertain significance for Reynolds syndrome. Last evaluated: 2019-07-09. Review status: flagged submission. Criteria: ACMG Guidelines, 2015. Collection method: clinical testing. Allele origin: unknown. Affected: yes. Not counted in ClinVar's aggregate classification.
Comment: This variant was determined to be of uncertain significance according to ACMG Guidelines, 2015 [PMID:25741868].
ClinVar note: Reason: Outlier claim with insufficient supporting evidence

Literature cited by the submitters: PubMed 25348816 (cited by 4 submitters); PubMed 18382993 (cited by 3 submitters); PubMed 41059452 (cited by Dasa).

NM_002296.4(LBR):c.1640A>G (p.Asn547Ser)

Gene: LBR (lamin B receptor; minus strand). Cytogenetic location: 1q42.12.
Variant type: single nucleotide variant.
Coding change: c.1640A>G on transcript NM_002296.4 (MANE Select); coding-DNA position 1640, A replaced by G.
Protein change: p.Asn547Ser; replaces asparagine 547 with serine.
Molecular consequence: missense variant.
Genome position (GRCh38, 1-based): chr1:225,404,451, T>C on the plus strand (A>G on the coding strand, the complement: LBR is on the minus strand). VCF-style: chr1-225404451-T-C. GRCh37 (hg19) VCF-style: chr1-225592153-T-C.
Other names: c.1640A>G, p.Asn547Ser (NM_194442.3); short protein forms N547S.
Identifiers: ClinVar variation 224875 (VCV000224875.19), dbSNP rs374343844, ClinGen allele CA353622.